The following is an entry in ClinVar:

ClinVar aggregate classification (germline): Uncertain significance (1 of 4 stars; one submission).

Conditions:
Autosomal dominant polycystic kidney disease. Identifiers: Orphanet 730, MedGen C0085413, MONDO:0004691.

Submission:

Labcorp Genetics (formerly Invitae), Labcorp
Classification: Uncertain significance for Autosomal dominant polycystic kidney disease. Last evaluated: 2025-03-10. Review status: criteria provided, single submitter. Criteria: Invitae Variant Classification Sherloc (09022015). Collection method: clinical testing. Allele origin: germline.
Comment: This sequence change replaces valine, which is neutral and non-polar, with phenylalanine, which is neutral and non-polar, at codon 466 of the PKD2 protein (p.Val466Phe). This variant is not present in population databases (gnomAD no frequency). This variant has not been reported in the literature in individuals affected with PKD2-related conditions. ClinVar contains an entry for this variant (Variation ID: 2702095). Invitae Evidence Modeling of protein sequence and biophysical properties (such as structural, functional, and spatial information, amino acid conservation, physicochemical variation, residue mobility, and thermodynamic stability) indicates that this missense variant is not expected to disrupt PKD2 protein function with a negative predictive value of 80%. In summary, the available evidence is currently insufficient to determine the role of this variant in disease. Therefore, it has been classified as a Variant of Uncertain Significance.

NM_000297.4(PKD2):c.1396G>T (p.Val466Phe)

Gene: PKD2 (polycystin 2, transient receptor potential cation channel; plus strand). Cytogenetic location: 4q22.1.
Variant type: single nucleotide variant.
Coding change: c.1396G>T on transcript NM_000297.4 (MANE Select); coding-DNA position 1396, G replaced by T.
Protein change: p.Val466Phe; replaces valine 466 with phenylalanine.
Molecular consequence: missense variant. On other transcripts: non-coding transcript variant (1).
Genome position (GRCh38, 1-based): chr4:88,046,718, G>T. VCF-style: chr4-88046718-G-T. GRCh37 (hg19) VCF-style: chr4-88967870-G-T.
Other names: short protein forms V466F.
Identifiers: ClinVar variation 2702095 (VCV002702095.3), dbSNP rs1395534748, ClinGen allele CA357618923.
Genomic context (GRCh38, chr4:88,046,718, plus strand): 5'-CCAGCAACAGGTGGTGTGATTCCATCTTGGCAATTTCAGCCTTTAAAGCTGATCCGATAT[G>T]TCACAACTTTTGATTTCTTCCTGGCAGCCTGTGAGATTATCTTTTGTTTCTTTATCTTTT-3'
Protein context (NP_000288.1, residues 456-476): QFQPLKLIRY[Val466Phe]TTFDFFLAAC